The following is an entry in ClinVar:

ClinVar aggregate classification (germline): Benign/Likely benign. Review status: criteria provided, multiple submitters, no conflicts (2 of 4 stars). 5 submissions from 5 submitters: Benign (1); Likely benign (4). Last evaluated 2026-08-19.

Conditions:
DICER1-related tumor predisposition. Also called: DICER1 syndrome; DICER1-related pleuropulmonary blastoma cancer predisposition syndrome. Identifiers: Orphanet 284343, MedGen C3839822, MONDO:0100216.
Hereditary cancer-predisposing syndrome. Also called: Tumor predisposition; Neoplastic Syndromes, Hereditary; Hereditary Cancer Syndrome; Hereditary neoplastic syndrome. Identifiers: Orphanet 140162, MedGen C0027672, MeSH D009386, MONDO:0015356.

Allele frequency attached by ClinVar (database versions not stated): gnomAD exomes below 0.00001.
gnomAD v4.1: 1 of 1,614,196 alleles (0.000062%); highest among the groups gnomAD compares: Admixed American, 0.0017%; no homozygotes.

Submissions (5):

Myriad Genetics, Inc.
Classification: Benign for DICER1-related tumor predisposition. Last evaluated: 2026-08-19. Review status: criteria provided, single submitter. Criteria: Myriad Autosomal Dominant, Autosomal Recessive and X-Linked Classification Criteria (2023). Collection method: clinical testing. Allele origin: unknown.
Comment: This variant is considered benign. This variant is a silent/synonymous amino acid change and it is not expected to impact splicing.

Labcorp Genetics (formerly Invitae), Labcorp
Classification: Likely benign for DICER1-related tumor predisposition. Last evaluated: 2025-11-12. Review status: criteria provided, single submitter. Criteria: Invitae Variant Classification Sherloc (09022015). Collection method: clinical testing. Allele origin: germline.

Quest Diagnostics Nichols Institute San Juan Capistrano
Classification: Likely benign. Last evaluated: 2025-02-24. Review status: criteria provided, single submitter. Criteria: Quest Diagnostics criteria. Collection method: clinical testing. Allele origin: unknown.

Sema4
Classification: Likely benign for Hereditary cancer-predisposing syndrome. Last evaluated: 2021-12-17. Review status: criteria provided, single submitter. Criteria: Sema4 Curation Guidelines. Collection method: curation. Allele origin: germline.

Ambry Genetics
Classification: Likely benign for Hereditary cancer-predisposing syndrome. Last evaluated: 2021-05-17. Review status: criteria provided, single submitter. Criteria: Ambry Variant Classification Scheme 2023. Collection method: clinical testing. Allele origin: germline.

NM_177438.3(DICER1):c.5043T>C (p.Ala1681=)

Gene: DICER1 (dicer 1, ribonuclease III; minus strand). Cytogenetic location: 14q32.13.
Variant type: single nucleotide variant.
Coding change: c.5043T>C on transcript NM_177438.3 (MANE Select); coding-DNA position 5043, T replaced by C.
Protein change: p.Ala1681=; no amino-acid change (alanine 1681 retained).
Molecular consequence: synonymous variant.
Genome position (GRCh38, 1-based): chr14:95,095,877, A>G on the plus strand (T>C on the coding strand, the complement: DICER1 is on the minus strand). VCF-style: chr14-95095877-A-G. GRCh37 (hg19) VCF-style: chr14-95562214-A-G.
Other names: c.5043T>C, p.Ala1681= (NM_001195573.1, NM_001271282.3, NM_001291628.2 and 1 more transcripts).
Identifiers: ClinVar variation 543704 (VCV000543704.17), dbSNP rs1356467328, ClinGen allele CA487625689.